The following is an entry in ClinVar:

NM_000179.3(MSH6):c.3173-9_3173-8insAAT

Gene: MSH6 (mutS homolog 6; plus strand). Cytogenetic location: 2p16.3.
Variant type: Insertion.
Coding change: c.3173-9_3173-8insAAT on transcript NM_000179.3 (MANE Select); 9 bases into the intron before coding-DNA position 3173 through 8 bases into the intron before coding-DNA position 3173, AAT inserted.
Molecular consequence: intron variant.
Genome position: GRCh38 VCF-style: chr2-47803410-C-CTAA. GRCh37 (hg19) VCF-style: chr2-48030549-C-CTAA.
Other names: c.2267-9_2267-8insAAT (NM_001281493.2, NM_001281494.2); c.2783-9_2783-8insAAT (NM_001281492.2).
Identifiers: ClinVar variation 1500547 (VCV001500547.7), dbSNP rs2104470987, ClinGen allele CA2573135023.

ClinVar aggregate classification (germline): Likely benign. Review status: criteria provided, multiple submitters, no conflicts (2 of 4 stars). 2 submissions from 2 submitters: Likely benign (2). Last evaluated 2023-06-26.

Conditions:
Lynch syndrome. Identifiers: Orphanet 144, MedGen C4552100, MONDO:0005835. Disease mechanism: loss of function.
Hereditary nonpolyposis colorectal neoplasms. Identifiers: MedGen C0009405, MeSH D003123.

Submissions (2):

All of Us Research Program, National Institutes of Health
Classification: Likely benign for Lynch syndrome. Last evaluated: 2023-06-26. Review status: criteria provided, single submitter. Criteria: ACMG Guidelines, 2015. Collection method: clinical testing. Allele origin: germline. Inheritance: Autosomal dominant inheritance. Observed: 1 variant allele, 1 heterozygote.
Comment: This study involves interpretation of variants in research participants for the purpose of population health screening. Participant phenotype was not available at the time of variant classification. Additional details can be found in publication PMID: 35346344, PMCID: PMC8962531

Labcorp Genetics (formerly Invitae), Labcorp
Classification: Likely benign for Hereditary nonpolyposis colorectal neoplasms. Last evaluated: 2022-07-12. Review status: criteria provided, single submitter. Criteria: Invitae Variant Classification Sherloc (09022015). Collection method: clinical testing. Allele origin: germline.